The following is an entry in ClinVar:

ClinVar aggregate classification (germline): Uncertain significance (1 of 4 stars; one submission).

Conditions:
Multiple congenital anomalies-hypotonia-seizures syndrome 3 (MCAHS3). Also called: GLYCOSYLPHOSPHATIDYLINOSITOL BIOSYNTHESIS DEFECT 7. Identifiers: Orphanet 369837, MedGen C3809356, MONDO:0014165, OMIM 615398.

Allele frequency attached by ClinVar (database versions not stated): TOPMed below 0.00001; gnomAD 0.00001.
gnomAD v4.1: 8 of 1,563,166 alleles (0.00051%); highest among the groups gnomAD compares: Non-Finnish European, 0.00052%; no homozygotes.

Submission:

Labcorp Genetics (formerly Invitae), Labcorp
Classification: Uncertain significance for Multiple congenital anomalies-hypotonia-seizures syndrome 3. Last evaluated: 2022-09-27. Review status: criteria provided, single submitter. Criteria: Invitae Variant Classification Sherloc (09022015). Collection method: clinical testing. Allele origin: germline.
Comment: In summary, the available evidence is currently insufficient to determine the role of this variant in disease. Therefore, it has been classified as a Variant of Uncertain Significance. ClinVar contains an entry for this variant (Variation ID: 1372668). Algorithms developed to predict the effect of missense changes on protein structure and function output the following: SIFT: "Tolerated"; PolyPhen-2: "Not Available"; Align-GVGD: "Class C0". The valine amino acid residue is found in multiple mammalian species, which suggests that this missense change does not adversely affect protein function. This variant has not been reported in the literature in individuals affected with PIGT-related conditions. This sequence change replaces alanine, which is neutral and non-polar, with valine, which is neutral and non-polar, at codon 3 of the PIGT protein (p.Ala3Val). The frequency data for this variant in the population databases is considered unreliable, as metrics indicate poor data quality at this position in the gnomAD database.

NM_015937.6(PIGT):c.8C>T (p.Ala3Val)

Gene: PIGT (phosphatidylinositol glycan anchor biosynthesis class T; plus strand). Cytogenetic location: 20q13.12.
Variant type: single nucleotide variant.
Coding change: c.8C>T on transcript NM_015937.6 (MANE Select); coding-DNA position 8, C replaced by T.
Protein change: p.Ala3Val; replaces alanine 3 with valine.
Molecular consequence: missense variant. On other transcripts: non-coding transcript variant (5).
Genome position (GRCh38, 1-based): chr20:45,416,164, C>T. VCF-style: chr20-45416164-C-T. GRCh37 (hg19) VCF-style: chr20-44044804-C-T.
Other names: c.8C>T, p.Ala3Val (NM_001184728.3, NM_001184729.3, NM_001184730.3); short protein forms A3V.
Identifiers: ClinVar variation 1372668 (VCV001372668.8), dbSNP rs764788407, ClinGen allele CA9877744.